The following is an entry in ClinVar:

NM_017654.4(SAMD9):c.3271C>G (p.His1091Asp)

Gene: SAMD9 (sterile alpha motif domain containing 9; minus strand). Cytogenetic location: 7q21.2.
Variant type: single nucleotide variant.
Coding change: c.3271C>G on transcript NM_017654.4 (MANE Select); coding-DNA position 3271, C replaced by G.
Protein change: p.His1091Asp; replaces histidine 1091 with aspartic acid.
Molecular consequence: missense variant.
Genome position (GRCh38, 1-based): chr7:93,102,827, G>C on the plus strand (C>G on the coding strand, the complement: SAMD9 is on the minus strand). VCF-style: chr7-93102827-G-C. GRCh37 (hg19) VCF-style: chr7-92732140-G-C.
Other names: c.3271C>G, p.His1091Asp (NM_001193307.2); short protein forms H1091D.
Identifiers: ClinVar variation 4802477 (VCV004802477.1).

ClinVar aggregate classification (germline): Uncertain significance (1 of 4 stars; one submission).

gnomAD v4.1: 1 of 1,613,822 alleles (0.000062%); highest among the groups gnomAD compares: Non-Finnish European, 0.000085%; no homozygotes.

Submission:

Labcorp Genetics (formerly Invitae), Labcorp
Classification: Uncertain significance. Last evaluated: 2025-02-09. Review status: criteria provided, single submitter. Criteria: Invitae Variant Classification Sherloc (09022015). Collection method: clinical testing. Allele origin: germline.
Comment: This sequence change replaces histidine, which is basic and polar, with aspartic acid, which is acidic and polar, at codon 1091 of the SAMD9 protein (p.His1091Asp). This variant is not present in population databases (gnomAD no frequency). This variant has not been reported in the literature in individuals affected with SAMD9-related conditions. Invitae Evidence Modeling of protein sequence and biophysical properties (such as structural, functional, and spatial information, amino acid conservation, physicochemical variation, residue mobility, and thermodynamic stability) has been performed for this missense variant. However, the output from this modeling did not meet the statistical confidence thresholds required to predict the impact of this variant on SAMD9 protein function. In summary, the available evidence is currently insufficient to determine the role of this variant in disease. Therefore, it has been classified as a Variant of Uncertain Significance.